The following is an entry in ClinVar:

NM_020928.2(ZSWIM6):c.2408C>T (p.Pro803Leu)

Gene: ZSWIM6 (zinc finger SWIM-type containing 6; plus strand). Cytogenetic location: 5q12.1.
Variant type: single nucleotide variant.
Coding change: c.2408C>T on transcript NM_020928.2 (MANE Select); coding-DNA position 2408, C replaced by T.
Protein change: p.Pro803Leu; replaces proline 803 with leucine.
Molecular consequence: missense variant.
Genome position (GRCh38, 1-based): chr5:61,538,840, C>T. VCF-style: chr5-61538840-C-T. GRCh37 (hg19) VCF-style: chr5-60834667-C-T.
Other names: short protein forms P803L.
Identifiers: ClinVar variation 2231440 (VCV002231440.5), dbSNP rs760079769, ClinGen allele CA3278452.

ClinVar aggregate classification (germline): Uncertain significance. Review status: criteria provided, multiple submitters, no conflicts (2 of 4 stars). 2 submissions from 2 submitters: Uncertain significance (2). Last evaluated 2024-01-08.

Conditions:
Inborn genetic diseases. Identifiers: MedGen C0950123, MeSH D030342.

Allele frequency attached by ClinVar (database versions not stated): gnomAD exomes below 0.00001; ExAC 0.00004.
gnomAD v4.1: 6 of 1,552,042 alleles (0.00039%); highest among the groups gnomAD compares: Non-Finnish European, 0.00052%; no homozygotes.

Submissions (2):

Labcorp Genetics (formerly Invitae), Labcorp
Classification: Uncertain significance. Last evaluated: 2024-01-08. Review status: criteria provided, single submitter. Criteria: Invitae Variant Classification Sherloc (09022015). Collection method: clinical testing. Allele origin: germline.
Comment: This sequence change replaces proline, which is neutral and non-polar, with leucine, which is neutral and non-polar, at codon 803 of the ZSWIM6 protein (p.Pro803Leu). This variant is present in population databases (rs760079769, gnomAD 0.002%). This variant has not been reported in the literature in individuals affected with ZSWIM6-related conditions. ClinVar contains an entry for this variant (Variation ID: 2231440). Advanced modeling of protein sequence and biophysical properties (such as structural, functional, and spatial information, amino acid conservation, physicochemical variation, residue mobility, and thermodynamic stability) performed at Invitae indicates that this missense variant is not expected to disrupt ZSWIM6 protein function with a negative predictive value of 80%. In summary, the available evidence is currently insufficient to determine the role of this variant in disease. Therefore, it has been classified as a Variant of Uncertain Significance.

Ambry Genetics
Classification: Uncertain significance for Inborn genetic diseases. Last evaluated: 2021-06-25. Review status: criteria provided, single submitter. Criteria: Ambry Variant Classification Scheme 2023. Collection method: clinical testing. Allele origin: germline.